The following is an entry in ClinVar:

NM_000303.3(PMM2):c.691G>A (p.Val231Met)

Gene: PMM2 (phosphomannomutase 2; plus strand). Cytogenetic location: 16p13.2.
Variant type: single nucleotide variant.
Coding change: c.691G>A on transcript NM_000303.3 (MANE Select); coding-DNA position 691, G replaced by A.
Protein change: p.Val231Met; replaces valine 231 with methionine.
Molecular consequence: missense variant.
Genome position (GRCh38, 1-based): chr16:8,847,775, G>A. VCF-style: chr16-8847775-G-A. GRCh37 (hg19) VCF-style: chr16-8941632-G-A.
Other names: Chr16: 8847775; short protein forms V231M.
Identifiers: ClinVar variation 7719 (VCV000007719.80), dbSNP rs80338707, ClinGen allele CA220628.

ClinVar aggregate classification (germline): Pathogenic/Likely pathogenic. Review status: criteria provided, multiple submitters, no conflicts (2 of 4 stars). 23 submissions from 23 submitters: Pathogenic (18); Likely pathogenic (1). 4 of the submissions do not count toward it. Last evaluated 2025-12-18.

Conditions:
PMM2-related disorder. Also called: PMM2-related condition.
PMM2-congenital disorder of glycosylation. Also called: JAEKEN SYNDROME; CDG Ia; Congenital disorder of glycosylation, type Ia; PHOSPHOMANNOMUTASE 2 DEFICIENCY; CARBOHYDRATE-DEFICIENT GLYCOPROTEIN SYNDROME, TYPE Ia; PMM2-CDG. Identifiers: Orphanet 79318, MedGen C0349653, MONDO:0008907, OMIM 212065.

Allele frequency attached by ClinVar (database versions not stated): gnomAD 0.00004 and 0.00005; TOPMed 0.00004; ExAC 0.00006.
gnomAD v4.1: 91 of 1,613,918 alleles (0.0056%); highest among the groups gnomAD compares: South Asian, 0.011%; no homozygotes.

Submissions 1 to 12 of 23:

Labcorp Genetics (formerly Invitae), Labcorp
Classification: Pathogenic for PMM2-congenital disorder of glycosylation. Last evaluated: 2025-12-18. Review status: criteria provided, single submitter. Criteria: Invitae Variant Classification Sherloc (09022015). Collection method: clinical testing. Allele origin: germline.
Comment: This sequence change replaces valine, which is neutral and non-polar, with methionine, which is neutral and non-polar, at codon 231 of the PMM2 protein (p.Val231Met). This variant is present in population databases (rs80338707, gnomAD 0.01%). This missense change has been observed in individual(s) with PMM2-CDG, being one of the most common causes of the disease in European populations (PMID: 9497260, 10801058, 15844218, 23430838, 25355454). In at least one individual the data is consistent with being in trans (on the opposite chromosome) from a pathogenic variant. ClinVar contains an entry for this variant (Variation ID: 7719). Invitae Evidence Modeling of protein sequence and biophysical properties (such as structural, functional, and spatial information, amino acid conservation, physicochemical variation, residue mobility, and thermodynamic stability) indicates that this missense variant is expected to disrupt PMM2 protein function with a positive predictive value of 95%. Experimental studies have shown that this missense change affects PMM2 function (PMID: 10386614). For these reasons, this variant has been classified as Pathogenic.

PreventionGenetics, part of Exact Sciences
Classification: Pathogenic for PMM2-related condition. Last evaluated: 2025-11-15. Review status: criteria provided, single submitter. Criteria: ACMG Guidelines, 2015. Collection method: clinical testing. Allele origin: germline.
Comment: The PMM2 c.691G>A variant is predicted to result in the amino acid substitution p.Val231Met. This variant has been widely reported in the compound heterozygous state with another pathogenic variant (including the deep intronic variant c.640-15479C>T) in individuals with congenital disorder of glycosylation 1a (CDG-Ia) (see for example, Schollen et al. 2007. PubMed ID: 17307006; Vega et al. 2009. PubMed ID: 19235233; 2009. PubMed ID: 19823873; Supplementary Table 1, Lipiński et al. 2021. PubMed ID: 33643843). This variant is reported in 0.012% of alleles in individuals of European (Non-Finnish) descent in gnomAD. This variant is interpreted as pathogenic.

Medical Molecular Genetics, National Research Centre
Classification: Likely pathogenic for PMM2-congenital disorder of glycosylation. Last evaluated: 2025-11-01. Review status: criteria provided, single submitter. Criteria: ACMG Guidelines, 2015. Collection method: research. Allele origin: inherited. Affected: yes.

Natera, Inc.
Classification: Pathogenic for Congenital disorder of glycosylation type 1a. Last evaluated: 2025-10-13. Review status: criteria provided, single submitter. Criteria: Natera Variant Classification Schema (03/2026). Collection method: clinical testing. Allele origin: germline.
Comment: The c.691G>A variant in PMM2 is a missense variant predicted to cause substitution of valine to methionine at amino acid 231. This variant is rare in the general population with a frequency below the threshold expected for the associated phenotype(s). This variant has been observed in one or more individuals affected with the associated recessive disease, as either homozygous or compound heterozygous with a second variant (PMID: 10801058). Additionally, this variant has been observed to segregate in affected family members (PMID: 10801058). Given the available evidence, this variant is classified as Pathogenic.

Variantyx, Inc.
Classification: Pathogenic for PMM2-congenital disorder of glycosylation. Last evaluated: 2025-09-24. Review status: criteria provided, single submitter. Criteria: Variantyx Assertion Criteria 2022. Collection method: clinical testing. Allele origin: germline. Inheritance: Autosomal recessive inheritance. Affected: no.
Comment: This is a nonsynonymous variant in the PMM2 gene (OMIM: 601785). Pathogenic variants in this gene have been associated with autosomal recessive congenital disorder of glycosylation type Ia. This variant has been identified in the homozygous or compound heterozygous state in multiple unrelated affected individuals reported in the published literature (PMID: 15714316, 19168813, 28425223, 31981409, 33133147, 33413482, 33643843, 38917675) (PM3) and it has been observed to segregate with disease in at least 4 individuals from 2 families (PMID: 31981409, 28425223) (PP1_Moderate). Functional studies have shown that this variant alters PMM2 protein function (PMID: 35789514) (PS3), and multiple computational algorithms predict a deleterious effect for this variant (REVEL score: 0.894) (PP3). Moreover, the variant lies within a known hotspot for pathogenic variants or a well-established critical functional domain of the PMM2 protein (PM1). It has a 0.0110% maximum allele frequency in non-founder control populations (PM2). Based on the current evidence, this variant is classified as pathogenic for autosomal recessive congenital disorder of glycosylation type Ia.

Laboratory of Genetics, Children's Clinical University Hospital Latvia
Classification: Pathogenic. Last evaluated: 2025-02-16. Review status: criteria provided, single submitter. Criteria: ACMG Guidelines, 2015. Collection method: clinical testing. Allele origin: germline. Affected: yes.

Fulgent Genetics
Classification: Pathogenic for PMM2-congenital disorder of glycosylation. Last evaluated: 2024-01-12. Review status: criteria provided, single submitter. Criteria: ACMG Guidelines, 2015. Collection method: clinical testing. Allele origin: germline.

Greenwood Genetic Center Diagnostic Laboratories, Greenwood Genetic Center
Classification: Pathogenic for PMM2-congenital disorder of glycosylation. Last evaluated: 2023-04-11. Review status: criteria provided, single submitter. Criteria: ACMG Guidelines, 2015. Collection method: clinical testing. Allele origin: germline. Affected: yes.
Comment: PM3_Very Strong, PS3, PM1, PM2, PP3

Institute for Medical Genetics and Human Genetics, Charité - Universitätsmedizin Berlin
Classification: Pathogenic for PMM2-congenital disorder of glycosylation. Last evaluated: 2022-09-22. Review status: criteria provided, single submitter. Criteria: ACMG Guidelines, 2015. Collection method: clinical testing. Allele origin: germline. Inheritance: Autosomal recessive inheritance. Affected: yes. Observed: 1 compound heterozygote.

GeneDx
Classification: Pathogenic. Last evaluated: 2022-06-16. Review status: criteria provided, single submitter. Criteria: GeneDx Variant Classification Process June 2021. Collection method: clinical testing. Allele origin: germline. Affected: yes.
Comment: Published functional studies demonstrate that the V231M variant results in decreased enzymatic activity and thermal stability (Pirard et al., 1999); In silico analysis supports that this missense variant has a deleterious effect on protein structure/function; Not observed at significant frequency in large population cohorts (gnomAD); This variant is associated with the following publications: (PMID: 9497260, 23430838, 25355454, 31981409, 18203160, 22975760, 19168813, 9140401, 15714316, 10386614, 10801058, 10922383, 28425223, 15844218, 11409861, 31589614, 33643843, 33133147, 33413482, 31319225, 33726816, Vignogna2022[preprint], 34420056)

Victorian Clinical Genetics Services, Murdoch Childrens Research Institute
Classification: Pathogenic for PMM2-congenital disorder of glycosylation. Last evaluated: 2020-10-19. Review status: criteria provided, single submitter. Criteria: ACMG Guidelines, 2015. Collection method: clinical testing. Allele origin: germline. Inheritance: Autosomal recessive inheritance. Affected: yes.
Comment: Based on the classification scheme VCGS_Germline_v1.3.2, this variant is classified as Pathogenic. Following criteria are met: 0102 - Loss of function is a known mechanism of disease in this gene and is associated with PMM2-congenital disorder of glycosylation (PMM2-CDG). (I) 0106 - This gene is associated with autosomal recessive disease. (I) 0200 - Variant is predicted to result in a missense amino acid change from valine to methionine (exon 8). (I) 0251 - This variant is heterozygous. (I) 0304 - Variant is present in gnomAD v2 <0.01 for a recessive condition (22 heterozygotes, 0 homozygotes). (SP) 0309 - An alternative amino acid change at the same position has been observed in gnomAD (v2) (1 heterozygote, 0 homozygotes). (I) 0501 - Missense variant consistently predicted to be damaging by multiple in silico tools or highly conserved with a major amino acid change. (SP) 0600 - Variant is located in the annotated PMM domain (NCBI, Decipher, PDB). (I) 0801 - This variant has strong previous evidence of pathogenicity in unrelated individuals. It has been previously reported as pathogenic in patients with PMM2-CDG (ClinVar, LOVD, PMID: 28425223, 30397276). (SP) 1102 - Strong phenotype match for this individual. (I) Legend: (SP) - Supporting pathogenic, (I) - Information, (SB) - Supporting benign

Research Laboratories, P. D. Hinduja Hospital & MRC
Classification: Pathogenic for PMM2-congenital disorder of glycosylation. Last evaluated: 2020-06-10. Review status: criteria provided, single submitter. Criteria: ACMG Guidelines, 2015. Collection method: research. Allele origin: unknown. Inheritance: Autosomal recessive inheritance. Affected: yes. Observed: 1 homozygote.
Comment: The p.Val231Met variant has been classified as pathogenic based on several reports in ClinVar and the literature reports.